The following is an entry in ClinVar:

ClinVar aggregate classification (germline): Pathogenic (1 of 4 stars; one submission).

Conditions:
Ehlers-Danlos syndrome, classic type (cEDS). Identifiers: Orphanet 287, MedGen C4225429, MONDO:0007522.
Osteogenesis imperfecta type I (OI1). Also called: Lobstein disease; Osteogenesis imperfecta type 1; OI, TYPE I; OSTEOGENESIS IMPERFECTA TARDA; OSTEOGENESIS IMPERFECTA WITH BLUE SCLERAE; Lobstein's Disease. Identifiers: Orphanet 216796, Orphanet 666, MedGen C0023931, MONDO:0008146, OMIM 166200. Disease mechanism: loss of function.

Submission:

Labcorp Genetics (formerly Invitae), Labcorp
Classification: Pathogenic for Osteogenesis imperfecta type I; Ehlers-Danlos syndrome, type 1. Last evaluated: 2019-08-27. Review status: criteria provided, single submitter. Criteria: Invitae Variant Classification Sherloc (09022015). Collection method: clinical testing. Allele origin: germline.
Comment: This sequence change replaces glycine with serine at codon 1096 of the COL1A2 protein (p.Gly1096Ser). The glycine residue is highly conserved and there is a small physicochemical difference between glycine and serine. This variant is not present in population databases (ExAC no frequency). This variant has been observed in individual(s) with osteogenesis imperfecta (Invitae). In at least one individual the variant was observed to be de novo. Algorithms developed to predict the effect of sequence changes on RNA splicing suggest that this variant may create or strengthen a splice site, but this prediction has not been confirmed by published transcriptional studies. This variant disrupts the p.Glu1096 amino acid residue in COL1A2. Other variant(s) that disrupt this residue have been observed in individuals with COL1A2-related conditions (PMID:7749416), which suggests that this may be a clinically significant amino acid residue. For these reasons, this variant has been classified as Pathogenic.

Literature cited by the submitters: PubMed 7749416.

NM_000089.4(COL1A2):c.3286G>A (p.Gly1096Ser)

Gene: COL1A2 (collagen type I alpha 2 chain; plus strand). Cytogenetic location: 7q21.3.
Variant type: single nucleotide variant.
Coding change: c.3286G>A on transcript NM_000089.4 (MANE Select); coding-DNA position 3286, G replaced by A.
Protein change: p.Gly1096Ser; replaces glycine 1096 with serine.
Molecular consequence: missense variant.
Genome position (GRCh38, 1-based): chr7:94,427,645, G>A. VCF-style: chr7-94427645-G-A. GRCh37 (hg19) VCF-style: chr7-94056957-G-A.
Other names: short protein forms G1096S.
Identifiers: ClinVar variation 934568 (VCV000934568.1), dbSNP rs1792308325, ClinGen allele CA368225655.
Genomic context (GRCh38, chr7:94,427,645, plus strand): 5'-ACAAAATATAAAGCCTCTCCTATCTCACTTTCACCTTTGCAGGGCCCCCCTGGTCCCCCT[G>A]GCCCTCCTGGACCTCCAGGTGTAAGCGGTGGTGGTTATGACTTTGGTTACGATGGAGACT-3'
Protein context (NP_000080.2, residues 1086-1106): QGPAGPPGPP[Gly1096Ser]PPGPPGVSGG